The following is an entry in ClinVar:

ClinVar aggregate classification (germline): Benign/Likely benign. Review status: criteria provided, multiple submitters, no conflicts (2 of 4 stars). 3 submissions from 3 submitters: Benign (1); Likely benign (1). 1 of the submissions does not count toward it. Last evaluated 2024-11-01.

Conditions:
SRGAP3-related disorder. Also called: SRGAP3-related condition.

Allele frequency attached by ClinVar (database versions not stated): TOPMed 0.00007; ESP Exome Variant Server 0.00008; gnomAD exomes 0.00010 and 0.00034; 1000 Genomes Project 30x 0.00016; 1000 Genomes Project 0.00020; ExAC 0.00023; gnomAD 0.00030 and 0.00033.
gnomAD v4.1: 216 of 1,614,096 alleles (0.013%); highest among the groups gnomAD compares: African/African-American, 0.0093%; no homozygotes.

Submissions (3):

Blueprint Genetics
Classification: Likely benign. Last evaluated: 2024-11-01. Review status: criteria provided, single submitter. Criteria: ACMG Guidelines, 2015. Collection method: clinical testing. Allele origin: germline.

Labcorp Genetics (formerly Invitae), Labcorp
Classification: Benign. Last evaluated: 2019-12-31. Review status: criteria provided, single submitter. Criteria: Invitae Variant Classification Sherloc (09022015). Collection method: clinical testing. Allele origin: germline.

PreventionGenetics, part of Exact Sciences
Classification: Likely benign for SRGAP3-related condition. Last evaluated: 2019-07-12. Review status: no assertion criteria provided. Collection method: clinical testing. Allele origin: germline. Not counted in ClinVar's aggregate classification.
Comment: This variant is classified as likely benign based on ACMG/AMP sequence variant interpretation guidelines (Richards et al. 2015 PMID: 25741868, with internal and published modifications).

NM_014850.4(SRGAP3):c.531G>A (p.Ala177=)

Gene: SRGAP3 (SLIT-ROBO Rho GTPase activating protein 3; minus strand). Cytogenetic location: 3p25.3.
Variant type: single nucleotide variant.
Coding change: c.531G>A on transcript NM_014850.4 (MANE Select); coding-DNA position 531, G replaced by A.
Protein change: p.Ala177=; no amino-acid change (alanine 177 retained).
Molecular consequence: synonymous variant.
Genome position (GRCh38, 1-based): chr3:9,064,537, C>T on the plus strand (G>A on the coding strand, the complement: SRGAP3 is on the minus strand). VCF-style: chr3-9064537-C-T. GRCh37 (hg19) VCF-style: chr3-9106221-C-T.
Other names: c.531G>A, p.Ala177= (NM_001033117.3).
Identifiers: ClinVar variation 723979 (VCV000723979.7), dbSNP rs146407315, ClinGen allele CA2238126.